The following is an entry in ClinVar:

ClinVar aggregate classification (germline): Uncertain significance. Review status: criteria provided, multiple submitters, no conflicts (2 of 4 stars). 2 submissions from 2 submitters: Uncertain significance (2). Last evaluated 2023-09-07.

Conditions:
Cardiovascular phenotype. Identifiers: MedGen CN230736.

Allele frequency attached by ClinVar (database versions not stated): ExAC 0.00001; gnomAD 0.00003; gnomAD exomes below 0.00001.
gnomAD v4.1: 2 of 1,614,224 alleles (0.00012%); highest among the groups gnomAD compares: Non-Finnish European, 0.00017%; no homozygotes.

Submissions (2):

Ambry Genetics
Classification: Uncertain significance for Cardiovascular phenotype. Last evaluated: 2023-09-07. Review status: criteria provided, single submitter. Criteria: Ambry Variant Classification Scheme 2023. Collection method: clinical testing. Allele origin: germline.
Comment: The p.E209D variant (also known as c.627G>C), located in coding exon 5 of the SCN1B gene, results from a G to C substitution at nucleotide position 627. The glutamic acid at codon 209 is replaced by aspartic acid, an amino acid with highly similar properties. This amino acid position is conserved. In addition, the in silico prediction for this alteration is inconclusive. Since supporting evidence is limited at this time, the clinical significance of this alteration remains unclear.

GeneDx
Classification: Uncertain significance. Last evaluated: 2015-08-05. Review status: criteria provided, single submitter. Criteria: GeneDx Variant Classification (06012015). Collection method: clinical testing. Allele origin: germline. Affected: yes.
Comment: p.Glu209Asp (GAG>GAC): c.627 G>C in the SCN1B gene. The Glu209Asp missense change has not been published as a mutation, nor has it been reported as a benign polymorphism to our knowledge. It was not observed in approximately 6,500 individuals of European and African American ancestry in the NHLBI Exome Sequencing Project, indicating it is not a common benign variant in these populations. The amino acid substitution is conservative as both Glutamic acid and Aspartic acid are negatively charged, polar amino acid residues. Glu209Asp alters a position that is not well conserved in the SCN1B protein and several in-silico algorithms predict it is likely non-pathogenic. The variant is found in INFANT-EPI panel(s).

NM_001037.5(SCN1B):c.627G>C (p.Glu209Asp)

Gene: SCN1B (sodium voltage-gated channel beta subunit 1; plus strand). Cytogenetic location: 19q13.11.
Variant type: single nucleotide variant.
Coding change: c.627G>C on transcript NM_001037.5 (MANE Select); coding-DNA position 627, G replaced by C.
Protein change: p.Glu209Asp; replaces glutamic acid 209 with aspartic acid.
Molecular consequence: missense variant.
Genome position (GRCh38, 1-based): chr19:35,039,671, G>C. VCF-style: chr19-35039671-G-C. GRCh37 (hg19) VCF-style: chr19-35530575-G-C.
Other names: p.E209D:GAG>GAC; c.528G>C, p.Glu176Asp (NM_001321605.2); short protein forms E209D, E176D.
Identifiers: ClinVar variation 190875 (VCV000190875.4), dbSNP rs745580499, ClinGen allele CA302182.